The following is an entry in ClinVar:

NM_000441.2(SLC26A4):c.1670G>A (p.Gly557Asp)

Gene: SLC26A4 (solute carrier family 26 member 4; plus strand). Cytogenetic location: 7q22.3.
Variant type: single nucleotide variant.
Coding change: c.1670G>A on transcript NM_000441.2 (MANE Select); coding-DNA position 1670, G replaced by A.
Protein change: p.Gly557Asp; replaces glycine 557 with aspartic acid.
Molecular consequence: missense variant.
Genome position (GRCh38, 1-based): chr7:107,700,138, G>A. VCF-style: chr7-107700138-G-A. GRCh37 (hg19) VCF-style: chr7-107340583-G-A.
Other names: short protein forms G557D.
Identifiers: ClinVar variation 440274 (VCV000440274.12), dbSNP rs939755872, ClinGen allele CA368842219.

ClinVar aggregate classification (germline): Conflicting classifications of pathogenicity. Review status: criteria provided, conflicting classifications (1 of 4 stars). 2 submissions from 2 submitters: Likely pathogenic (1); Uncertain significance (1). Last evaluated 2023-03-08.

Submissions (2):

Labcorp Genetics (formerly Invitae), Labcorp
Classification: Likely pathogenic. Last evaluated: 2023-03-08. Review status: criteria provided, single submitter. Criteria: Invitae Variant Classification Sherloc (09022015). Collection method: clinical testing. Allele origin: germline.
Comment: In summary, the currently available evidence indicates that the variant is pathogenic, but additional data are needed to prove that conclusively. Therefore, this variant has been classified as Likely Pathogenic. Advanced modeling of protein sequence and biophysical properties (such as structural, functional, and spatial information, amino acid conservation, physicochemical variation, residue mobility, and thermodynamic stability) has been performed at Invitae for this missense variant, however the output from this modeling did not meet the statistical confidence thresholds required to predict the impact of this variant on SLC26A4 protein function. ClinVar contains an entry for this variant (Variation ID: 440274). This missense change has been observed in individuals with clinical features of Pendred syndrome (PMID: 25372295, 26236732). This variant is not present in population databases (gnomAD no frequency). This sequence change replaces glycine, which is neutral and non-polar, with aspartic acid, which is acidic and polar, at codon 557 of the SLC26A4 protein (p.Gly557Asp).

ARUP Laboratories, Molecular Genetics and Genomics, ARUP Laboratories
Classification: Uncertain significance. Last evaluated: 2016-11-16. Review status: criteria provided, single submitter. Criteria: ARUP Molecular Germline Variant Investigation Process. Collection method: clinical testing. Allele origin: germline.

Literature cited by the submitters: PubMed 25372295 (cited by Labcorp Genetics (formerly Invitae), Labcorp); PubMed 26236732 (cited by Labcorp Genetics (formerly Invitae), Labcorp).